The following is an entry in ClinVar:

ClinVar aggregate classification (germline): Conflicting classifications of pathogenicity. Review status: criteria provided, conflicting classifications (1 of 4 stars). 8 submissions from 8 submitters: Uncertain significance (7); Likely benign (1). Last evaluated 2025-08-17.

Conditions:
Hereditary cancer-predisposing syndrome. Also called: Tumor predisposition; Hereditary Cancer Syndrome; Hereditary neoplastic syndrome; Neoplastic Syndromes, Hereditary. Identifiers: Orphanet 140162, MedGen C0027672, MeSH D009386, MONDO:0015356.
Melanoma, cutaneous malignant, susceptibility to, 1 (CMM1). Also called: B-K MOLE SYNDROME; MELANOMA, MALIGNANT; DYSPLASTIC NEVUS SYNDROME, HEREDITARY; FAMILIAL ATYPICAL MOLE-MALIGNANT MELANOMA SYNDROME. Identifiers: Orphanet 618, MedGen C1835047, MONDO:0007963, OMIM 155600.
Peutz-Jeghers syndrome (PJS). Also called: POLYPOSIS, HAMARTOMATOUS INTESTINAL; POLYPS-AND-SPOTS SYNDROME; Peutz-Jeghers polyposis; Periorificial lentiginosis syndrome. Identifiers: Orphanet 2869, MedGen C0031269, MeSH D010580, MONDO:0008280, OMIM 175200.

Allele frequency attached by ClinVar (database versions not stated): gnomAD 0.00001; TOPMed 0.00001.
gnomAD v4.1: 29 of 1,613,690 alleles (0.0018%); highest among the groups gnomAD compares: Non-Finnish European, 0.0025%; no homozygotes.

Submissions (8):

Labcorp Genetics (formerly Invitae), Labcorp
Classification: Likely benign for Peutz-Jeghers syndrome. Last evaluated: 2025-08-17. Review status: criteria provided, single submitter. Criteria: Invitae Variant Classification Sherloc (09022015). Collection method: clinical testing. Allele origin: germline.

Ambry Genetics
Classification: Uncertain significance for Hereditary cancer-predisposing syndrome. Last evaluated: 2024-11-22. Review status: criteria provided, single submitter. Criteria: Ambry Variant Classification Scheme 2023. Collection method: clinical testing. Allele origin: germline.
Comment: The p.M51L variant (also known as c.151A>C), located in coding exon 1 of the STK11 gene, results from an A to C substitution at nucleotide position 151. The methionine at codon 51 is replaced by leucine, an amino acid with highly similar properties. This amino acid position is highly conserved in available vertebrate species. In addition, the in silico prediction for this alteration is inconclusive. Since supporting evidence is limited at this time, the clinical significance of this alteration remains unclear.

GeneDx
Classification: Uncertain significance. Last evaluated: 2024-07-30. Review status: criteria provided, single submitter. Criteria: GeneDx Variant Classification Process June 2021. Collection method: clinical testing. Allele origin: germline. Affected: yes.
Comment: Not observed at significant frequency in large population cohorts (gnomAD); In silico analysis indicates that this missense variant does not alter protein structure/function; Not observed in any breast cancer cases, but was observed among unaffected controls in a published study (PMID: 30287823); This variant is associated with the following publications: (PMID: 15863673, 30287823, 36243179)

All of Us Research Program, National Institutes of Health
Classification: Uncertain significance for Peutz-Jeghers syndrome. Last evaluated: 2024-05-14. Review status: criteria provided, single submitter. Criteria: ACMG Guidelines, 2015. Collection method: clinical testing. Allele origin: germline. Inheritance: Autosomal dominant inheritance. Observed: 3 variant alleles, 3 heterozygotes.
Comment: This missense variant replaces methionine with leucine at codon 51 of the STK11 protein. Computational prediction suggests that this variant may not impact protein structure and function (internally defined REVEL score threshold <= 0.5, PMID: 27666373). To our knowledge, functional studies have not been reported for this variant. This variant has not been reported in individuals affected with hereditary cancer in the literature. This variant has not been identified in the general population by the Genome Aggregation Database (gnomAD). The available evidence is insufficient to determine the role of this variant in disease conclusively. Therefore, this variant is classified as a Variant of Uncertain Significance.

This study involves interpretation of variants in research participants for the purpose of population health screening. Participant phenotype was not available at the time of variant classification. Additional details can be found in publication PMID: 35346344, PMCID: PMC8962531

Color Diagnostics, LLC DBA Color Health
Classification: Uncertain significance for Hereditary cancer-predisposing syndrome. Last evaluated: 2023-06-20. Review status: criteria provided, single submitter. Criteria: ACMG Guidelines, 2015. Collection method: clinical testing. Allele origin: germline.
Comment: This missense variant replaces methionine with leucine at codon 51 of the STK11 protein. Computational prediction suggests that this variant may not impact protein structure and function (internally defined REVEL score threshold <= 0.5, PMID: 27666373). To our knowledge, functional studies have not been reported for this variant. This variant has not been reported in individuals affected with hereditary cancer in the literature. This variant has not been identified in the general population by the Genome Aggregation Database (gnomAD). The available evidence is insufficient to determine the role of this variant in disease conclusively. Therefore, this variant is classified as a Variant of Uncertain Significance.

Baylor Genetics
Classification: Uncertain significance for Melanoma, cutaneous malignant, susceptibility to, 1. Last evaluated: 2023-05-02. Review status: criteria provided, single submitter. Criteria: ACMG Guidelines, 2015. Collection method: clinical testing. Allele origin: unknown.

Genome-Nilou Lab
Classification: Uncertain significance for Peutz-Jeghers syndrome. Last evaluated: 2021-07-15. Review status: criteria provided, single submitter. Criteria: ACMG Guidelines, 2015. Collection method: clinical testing. Allele origin: germline. Affected: no.

Quest Diagnostics Nichols Institute San Juan Capistrano
Classification: Uncertain significance. Last evaluated: 2020-02-25. Review status: criteria provided, single submitter. Criteria: Quest Diagnostics criteria. Collection method: clinical testing. Allele origin: unknown.

Literature cited by the submitters: PubMed 30287823 (cited by Ambry Genetics and Quest Diagnostics Nichols Institute San Juan Capistrano).

NM_000455.5(STK11):c.151A>C (p.Met51Leu)

Gene: STK11 (serine/threonine kinase 11; plus strand). Cytogenetic location: 19p13.3.
Variant type: single nucleotide variant.
Coding change: c.151A>C on transcript NM_000455.5 (MANE Select); coding-DNA position 151, A replaced by C.
Protein change: p.Met51Leu; replaces methionine 51 with leucine.
Molecular consequence: missense variant.
Genome position (GRCh38, 1-based): chr19:1,207,064, A>C. VCF-style: chr19-1207064-A-C. GRCh37 (hg19) VCF-style: chr19-1207063-A-C.
Other names: p.M51L:ATG>CTG; short protein forms M51L.
Identifiers: ClinVar variation 182914 (VCV000182914.29), dbSNP rs730881986, ClinGen allele CA022670.